The following is an entry in ClinVar:

ClinVar aggregate classification (germline): Conflicting classifications of pathogenicity. Review status: criteria provided, conflicting classifications (1 of 4 stars). 4 submissions from 4 submitters: Uncertain significance (3); Likely benign (1). Last evaluated 2025-07-07.

Conditions:
Hereditary cancer-predisposing syndrome. Also called: Neoplastic Syndromes, Hereditary; Tumor predisposition; Hereditary Cancer Syndrome; Hereditary neoplastic syndrome. Identifiers: Orphanet 140162, MedGen C0027672, MeSH D009386, MONDO:0015356.
Nijmegen breakage syndrome-like disorder (NBSLD). Also called: MICROCEPHALY AND SPONTANEOUS CHROMOSOME INSTABILITY WITHOUT IMMUNODEFICIENCY; NBS-LIKE DISORDER; RAD50 DEFICIENCY. Identifiers: Orphanet 240760, MedGen C2751318, MONDO:0013118, OMIM 613078.

Allele frequency attached by ClinVar (database versions not stated): gnomAD below 0.00001 and 0.00006; gnomAD exomes 0.00009 and 0.00018; ExAC 0.00017; 1000 Genomes Project 0.00040; 1000 Genomes Project 30x 0.00047.
gnomAD v4.1: 133 of 1,614,082 alleles (0.0082%); highest among the groups gnomAD compares: South Asian, 0.14%; 1 homozygote.

Submissions (4):

Labcorp Genetics (formerly Invitae), Labcorp
Classification: Uncertain significance for Hereditary cancer-predisposing syndrome. Last evaluated: 2025-07-07. Review status: criteria provided, single submitter. Criteria: Invitae Variant Classification Sherloc (09022015). Collection method: clinical testing. Allele origin: germline.
Comment: This sequence change replaces histidine, which is basic and polar, with leucine, which is neutral and non-polar, at codon 397 of the RAD50 protein (p.His397Leu). This variant is present in population databases (rs562153754, gnomAD 0.1%). This variant has not been reported in the literature in individuals affected with RAD50-related conditions. ClinVar contains an entry for this variant (Variation ID: 187731). Invitae Evidence Modeling of protein sequence and biophysical properties (such as structural, functional, and spatial information, amino acid conservation, physicochemical variation, residue mobility, and thermodynamic stability) indicates that this missense variant is not expected to disrupt RAD50 protein function with a negative predictive value of 80%. In summary, the available evidence is currently insufficient to determine the role of this variant in disease. Therefore, it has been classified as a Variant of Uncertain Significance.

Quest Diagnostics Nichols Institute San Juan Capistrano
Classification: Uncertain significance. Last evaluated: 2025-04-24. Review status: criteria provided, single submitter. Criteria: Quest Diagnostics criteria. Collection method: clinical testing. Allele origin: unknown.
Comment: The RAD50 c.1190A>T (p.His397Leu) variant has not been reported in individuals with RAD50-related conditions in the published literature. The frequency of this variant in the general population (Genome Aggregation Database) is higher than would generally be expected for pathogenic variants in this gene. Analysis of this variant using bioinformatics tools for the prediction of the effect of amino acid changes on protein structure and function yielded predictions that this variant is benign. Based on the available information, we are unable to determine the clinical significance of this variant.

Baylor Genetics
Classification: Uncertain significance for Nijmegen breakage syndrome-like disorder. Last evaluated: 2023-07-29. Review status: criteria provided, single submitter. Criteria: ACMG Guidelines, 2015. Collection method: clinical testing. Allele origin: unknown.

Ambry Genetics
Classification: Likely benign for Hereditary cancer-predisposing syndrome. Last evaluated: 2022-09-01. Review status: criteria provided, single submitter. Criteria: Ambry Variant Classification Scheme 2023. Collection method: clinical testing. Allele origin: germline.

NM_005732.4(RAD50):c.1190A>T (p.His397Leu)

Gene: RAD50 (RAD50 double strand break repair protein; plus strand). Cytogenetic location: 5q31.1.
Variant type: single nucleotide variant.
Coding change: c.1190A>T on transcript NM_005732.4 (MANE Select); coding-DNA position 1190, A replaced by T.
Protein change: p.His397Leu; replaces histidine 397 with leucine.
Molecular consequence: missense variant.
Genome position (GRCh38, 1-based): chr5:132,588,825, A>T. VCF-style: chr5-132588825-A-T. GRCh37 (hg19) VCF-style: chr5-131924517-A-T.
Other names: short protein forms H397L.
Identifiers: ClinVar variation 187731 (VCV000187731.16), dbSNP rs562153754, ClinGen allele CA198429.